The following is an entry in ClinVar:

ClinVar aggregate classification (germline): Conflicting classifications of pathogenicity. Review status: criteria provided, conflicting classifications (1 of 4 stars). 10 submissions from 10 submitters: Uncertain significance (6); Likely benign (3). 1 of the submissions does not count toward it. Last evaluated 2026-05-12.

Conditions:
Classic or attenuated familial adenomatous polyposis. Identifiers: MedGen CN372698, MONDO:0021057.
APC-related disorder. Also called: APC-related condition.
Hereditary cancer-predisposing syndrome. Also called: Neoplastic Syndromes, Hereditary; Tumor predisposition; Hereditary neoplastic syndrome; Hereditary Cancer Syndrome. Identifiers: Orphanet 140162, MedGen C0027672, MeSH D009386, MONDO:0015356.
Familial adenomatous polyposis 1 (FAP1). Also called: FAMILIAL ADENOMATOUS POLYPOSIS 1, ATTENUATED; POLYPOSIS, ADENOMATOUS INTESTINAL. Identifiers: MedGen C2713442, MONDO:0021056, OMIM 175100. Disease mechanism: loss of function.

Allele frequency attached by ClinVar (database versions not stated): gnomAD exomes 0.00002; TOPMed 0.00002; ExAC 0.00003; gnomAD 0.00003.
gnomAD v4.1: 13 of 1,614,000 alleles (0.00081%); highest among the groups gnomAD compares: South Asian, 0.0033%; 1 homozygote.

Submissions (10):

PreventionGenetics, part of Exact Sciences
Classification: Uncertain significance for APC-related condition. Last evaluated: 2026-05-12. Review status: criteria provided, single submitter. Criteria: ACMG Guidelines, 2015. Collection method: clinical testing. Allele origin: germline.
Comment: The APC c.4334C>T variant is predicted to result in the amino acid substitution p.Thr1445Ile. This variant has been reported in an individual with colorectal cancer (Dominguez-Valentin et al. 2018. PubMed ID: 29458332). This variant is reported in 0.0065% of alleles in individuals of South Asian descent in gnomAD, and has conflicting interpretations in ClinVar ranging from likely benign to uncertain (Variation ID: 186279). At this time, the clinical significance of this variant is uncertain due to the absence of conclusive functional and genetic evidence.

Color Diagnostics, LLC DBA Color Health
Classification: Likely benign for Hereditary cancer-predisposing syndrome. Last evaluated: 2025-08-12. Review status: criteria provided, single submitter. Criteria: ACMG Guidelines, 2015. Collection method: clinical testing. Allele origin: germline.

Labcorp Genetics (formerly Invitae), Labcorp
Classification: Likely benign for Familial adenomatous polyposis 1. Last evaluated: 2025-03-13. Review status: criteria provided, single submitter. Criteria: Invitae Variant Classification Sherloc (09022015). Collection method: clinical testing. Allele origin: germline.

Center for Genomic Medicine, Rigshospitalet, Copenhagen University Hospital
Classification: Uncertain significance. Last evaluated: 2025-03-04. Review status: criteria provided, single submitter. Criteria: ACMG Guidelines, 2015. Collection method: clinical testing. Allele origin: germline.

Quest Diagnostics Nichols Institute San Juan Capistrano
Classification: Uncertain significance. Last evaluated: 2024-06-20. Review status: criteria provided, single submitter. Criteria: Quest Diagnostics criteria. Collection method: clinical testing. Allele origin: unknown.
Comment: The APC c.4334C>T (p.Thr1445Ile) variant has been reported in the published literature in an individual with colorectal cancer whose tumor showed microsatellite stability with normal mismatch repair protein expression (PMID: 29458332 (2018)). In addition, the variant has been detected in tumors of an individual with oropharynx cancer (PMID: 25742471 (2015)), and an individual with sebaceous adenoma (PMID: 27311873 (2016)). The frequency of this variant in the general population, 0.000016 (4/251168 chromosomes (Genome Aggregation Database)), is uninformative in the assessment of its pathogenicity. Analysis of this variant using bioinformatics tools for the prediction of the effect of amino acid changes on protein structure and function yielded predictions that this variant is benign. Based on the available information, we are unable to determine the clinical significance of this variant.

All of Us Research Program, National Institutes of Health
Classification: Uncertain significance for Classic or attenuated familial adenomatous polyposis. Last evaluated: 2024-04-16. Review status: criteria provided, single submitter. Criteria: ACMG Guidelines, 2015. Collection method: clinical testing. Allele origin: germline. Inheritance: Autosomal dominant inheritance. Observed: 4 variant alleles, 4 heterozygotes.
Comment: This missense variant replaces threonine with isoleucine at codon 1445 of the APC protein. Computational prediction suggests that this variant may not impact protein structure and function (internally defined REVEL score threshold <= 0.5, PMID: 27666373). To our knowledge, functional studies have not been reported for this variant. This variant has been reported in an individual affected with familial colorectal cancer (PMID: 29458332). This variant has been identified in 4/251168 chromosomes in the general population by the Genome Aggregation Database (gnomAD). The available evidence is insufficient to determine the role of this variant in disease conclusively. Therefore, this variant is classified as a Variant of Uncertain Significance.

This study involves interpretation of variants in research participants for the purpose of population health screening. Participant phenotype was not available at the time of variant classification. Additional details can be found in publication PMID: 35346344, PMCID: PMC8962531

GeneDx
Classification: Uncertain significance. Last evaluated: 2024-01-31. Review status: criteria provided, single submitter. Criteria: GeneDx Variant Classification Process June 2021. Collection method: clinical testing. Allele origin: germline. Affected: yes.
Comment: Not observed at significant frequency in large population cohorts (gnomAD); In silico analysis supports that this missense variant does not alter protein structure/function; Observed in a patient with colorectal cancer (PMID: 29458332); This variant is associated with the following publications: (PMID: 27311873, 25742471, 18199528, 29458332)

Ambry Genetics
Classification: Likely benign for Hereditary cancer-predisposing syndrome. Last evaluated: 2023-04-27. Review status: criteria provided, single submitter. Criteria: Ambry Variant Classification Scheme 2023. Collection method: clinical testing. Allele origin: germline.

Myriad Genetics, Inc.
Classification: Uncertain significance for Familial adenomatous polyposis 1. Last evaluated: 2023-02-16. Review status: criteria provided, single submitter. Criteria: Myriad Autosomal Dominant, Autosomal Recessive and X-Linked Classification Criteria (2023). Collection method: clinical testing. Allele origin: unknown.
Comment: This variant is classified as a variant of uncertain significance as there is insufficient evidence to determine its impact on protein function and/or cancer risk.

Counsyl
Classification: Uncertain significance for Familial adenomatous polyposis 1. Last evaluated: 2015-12-18. Review status: no assertion criteria provided. Collection method: clinical testing. Allele origin: unknown. Not counted in ClinVar's aggregate classification.

Literature cited by the submitters: PubMed 27311873 (cited by Quest Diagnostics Nichols Institute San Juan Capistrano); PubMed 29458332 (cited by 3 submitters); PubMed 25742471 (cited by Quest Diagnostics Nichols Institute San Juan Capistrano and Counsyl).

NM_000038.6(APC):c.4334C>T (p.Thr1445Ile)

Gene: APC (APC regulator of Wnt signaling pathway; plus strand). Cytogenetic location: 5q22.2.
Variant type: single nucleotide variant.
Coding change: c.4334C>T on transcript NM_000038.6 (MANE Select); coding-DNA position 4334, C replaced by T.
Protein change: p.Thr1445Ile; replaces threonine 1445 with isoleucine.
Molecular consequence: missense variant.
Genome position (GRCh38, 1-based): chr5:112,839,928, C>T. VCF-style: chr5-112839928-C-T. GRCh37 (hg19) VCF-style: chr5-112175625-C-T.
Other names: c.4334C>T, p.Thr1445Ile (NM_001127510.3, NM_001354895.2); c.4280C>T, p.Thr1427Ile (NM_001127511.3); c.4388C>T, p.Thr1463Ile (NM_001354896.2); c.4364C>T, p.Thr1455Ile (NM_001354897.2); c.4259C>T, p.Thr1420Ile (NM_001354898.2); c.4250C>T, p.Thr1417Ile (NM_001354899.2); c.4211C>T, p.Thr1404Ile (NM_001354900.2); c.4157C>T, p.Thr1386Ile (NM_001354901.2); and 5 more; short protein forms T1427I, T1445I, T1162I, T1404I, T1455I, T1463I, T1319I, T1354I.
Identifiers: ClinVar variation 186279 (VCV000186279.29), dbSNP rs760686348, ClinGen allele CA009453.
Genomic context (GRCh38, chr5:112,839,928, plus strand): 5'-ATAGCCCTGGACAAACCATGCCACCAAGCAGAAGTAAAACACCTCCACCACCTCCTCAAA[C>T]AGCTCAAACCAAGCGAGAAGTACCTAAAAATAAAGCACCTACTGCTGAAAAGAGAGAGAG-3'
Protein context (NP_000029.2, residues 1435-1455): RSKTPPPPPQ[Thr1445Ile]AQTKREVPKN